The following is an entry in ClinVar:

ClinVar aggregate classification (germline): Uncertain significance (1 of 4 stars; one submission).

Conditions:
Hereditary spastic paraplegia 3A (SPG3A). Also called: SPASTIC PARAPLEGIA 3, AUTOSOMAL DOMINANT; FAMILIAL SPASTIC PARAPLEGIA, AUTOSOMAL DOMINANT, 1; SPG3; STRUMPELL DISEASE; Spastic Paraplegia 3A; Spastic paraplegia 3A, autosomal dominant. Identifiers: Orphanet 100984, MedGen C2931355, MONDO:0008437, OMIM 182600.

gnomAD v4.1: 2 of 1,613,292 alleles (0.00012%); highest among the groups gnomAD compares: Non-Finnish European, 0.00017%; no homozygotes.

Submission:

Labcorp Genetics (formerly Invitae), Labcorp
Classification: Uncertain significance for Hereditary spastic paraplegia 3A. Last evaluated: 2025-03-26. Review status: criteria provided, single submitter. Criteria: Invitae Variant Classification Sherloc (09022015). Collection method: clinical testing. Allele origin: germline.
Comment: This sequence change replaces tyrosine, which is neutral and polar, with phenylalanine, which is neutral and non-polar, at codon 538 of the ATL1 protein (p.Tyr538Phe). This variant is not present in population databases (gnomAD no frequency). This variant has not been reported in the literature in individuals affected with ATL1-related conditions. Invitae Evidence Modeling of protein sequence and biophysical properties (such as structural, functional, and spatial information, amino acid conservation, physicochemical variation, residue mobility, and thermodynamic stability) has been performed for this missense variant. However, the output from this modeling did not meet the statistical confidence thresholds required to predict the impact of this variant on ATL1 protein function. In summary, the available evidence is currently insufficient to determine the role of this variant in disease. Therefore, it has been classified as a Variant of Uncertain Significance.

NM_015915.5(ATL1):c.1613A>T (p.Tyr538Phe)

Gene: ATL1 (atlastin GTPase 1; plus strand). Cytogenetic location: 14q22.1.
Variant type: single nucleotide variant.
Coding change: c.1613A>T on transcript NM_015915.5 (MANE Select); coding-DNA position 1613, A replaced by T.
Protein change: p.Tyr538Phe; replaces tyrosine 538 with phenylalanine.
Molecular consequence: missense variant.
Genome position (GRCh38, 1-based): chr14:50,632,275, A>T. VCF-style: chr14-50632275-A-T. GRCh37 (hg19) VCF-style: chr14-51098993-A-T.
Other names: c.1598A>T, p.Tyr533Phe (NM_001127713.1, NM_181598.4); short protein forms Y533F, Y538F.
Identifiers: ClinVar variation 4768795 (VCV004768795.1).